The following is an entry in ClinVar:

ClinVar aggregate classification (germline): Likely benign. Review status: criteria provided, multiple submitters, no conflicts (2 of 4 stars). 2 submissions from 2 submitters: Likely benign (2). Last evaluated 2026-09-01.

Allele frequency attached by ClinVar (database versions not stated): gnomAD 0.00008; TOPMed 0.00012; 1000 Genomes Project 30x 0.00016; ExAC 0.00048.

Submissions (2):

CeGaT Center for Human Genetics Tuebingen
Classification: Likely benign. Last evaluated: 2026-09-01. Review status: criteria provided, single submitter. Criteria: CeGaT Center For Human Genetics Tuebingen Variant Classification Criteria Version 2. Collection method: clinical testing. Allele origin: germline. Affected: yes. Observed: 1 variant allele.
Comment: EPS8L2: BP4, BP7

Labcorp Genetics (formerly Invitae), Labcorp
Classification: Likely benign. Last evaluated: 2025-02-17. Review status: criteria provided, single submitter. Criteria: Invitae Variant Classification Sherloc (09022015). Collection method: clinical testing. Allele origin: germline.

NM_022772.4(EPS8L2):c.1896G>A (p.Glu632=)

Gene: EPS8L2 (EPS8 signaling adaptor L2; plus strand). Cytogenetic location: 11p15.5.
Variant type: single nucleotide variant.
Coding change: c.1896G>A on transcript NM_022772.4 (MANE Select); coding-DNA position 1896, G replaced by A.
Protein change: p.Glu632=; no amino-acid change (glutamic acid 632 retained).
Molecular consequence: synonymous variant.
Genome position (GRCh38, 1-based): chr11:726,446, G>A. VCF-style: chr11-726446-G-A. GRCh37 (hg19) VCF-style: chr11-726446-G-A.
Identifiers: ClinVar variation 2905349 (VCV002905349.4), dbSNP rs767304989, ClinGen allele CA5787822.
Genomic context (GRCh38, chr11:726,446, plus strand): 5'-CCGCGTGGAGCGCAGCCAGCCCGTGAGCCAGCCGCTCACCTACGAGTCGGGTCCGGACGA[G>A]GTCCGCGCCTGGCTGGAAGCCAAGGCCTTCAGCCCGCGGTGAGCGGGGGCGGGGGATGAG-3'
Protein context (NP_073609.2, residues 622-642): QPLTYESGPD[Glu632=]VRAWLEAKAF